The following is an entry in ClinVar:

NM_000342.4(SLC4A1):c.202G>A (p.Glu68Lys)

Gene: SLC4A1 (solute carrier family 4 member 1 (Diego blood group); minus strand). Cytogenetic location: 17q21.31.
Variant type: single nucleotide variant.
Coding change: c.202G>A on transcript NM_000342.4 (MANE Select); coding-DNA position 202, G replaced by A.
Protein change: p.Glu68Lys; replaces glutamic acid 68 with lysine.
Molecular consequence: missense variant.
Genome position (GRCh38, 1-based): chr17:44,260,782, C>T on the plus strand (G>A on the coding strand, the complement: SLC4A1 is on the minus strand). VCF-style: chr17-44260782-C-T. GRCh37 (hg19) VCF-style: chr17-42338150-C-T.
Other names: short protein forms E68K.
Identifiers: ClinVar variation 323519 (VCV000323519.13), dbSNP rs13306787, ClinGen allele CA8600670.

ClinVar aggregate classification (germline): Conflicting classifications of pathogenicity. Review status: criteria provided, conflicting classifications (1 of 4 stars). 5 submissions from 3 submitters: Uncertain significance (2); Benign (1); Likely benign (1). 1 of the submissions does not count toward it. Last evaluated 2025-09-15.

Conditions:
SLC4A1-related disorder. Also called: SLC4A1-related condition; SLC4A1-related disorders.
Hereditary spherocytosis type 4. Also called: SLC4A1-Related Spherocytosis. Identifiers: Orphanet 822, MedGen C2675212, MONDO:0012981, OMIM 612653.
Autosomal dominant distal renal tubular acidosis (DRTA1). Also called: RTA, CLASSIC TYPE; RTA, DISTAL TYPE, AUTOSOMAL DOMINANT; RTA, GRADIENT TYPE; Renal Tubular Acidosis, Type I; RENAL TUBULAR ACIDOSIS, DISTAL, 1. Identifiers: Orphanet 93608, MedGen CN280572, MONDO:0008368, OMIM 179800.
Hemolytic anemia. Identifiers: MedGen C0002878, MONDO:0003664, HP:0001878.

Allele frequency attached by ClinVar (database versions not stated): gnomAD 0.00002 and 0.00008; ESP Exome Variant Server 0.00008; ExAC 0.00009; TOPMed 0.00010; gnomAD exomes 0.00011; 1000 Genomes Project 0.00040; 1000 Genomes Project 30x 0.00047.
gnomAD v4.1: 253 of 1,613,524 alleles (0.016%); highest among the groups gnomAD compares: East Asian, 0.25%; no homozygotes.

Submissions (5):

Labcorp Genetics (formerly Invitae), Labcorp
Classification: Likely benign. Last evaluated: 2025-09-15. Review status: criteria provided, single submitter. Criteria: Invitae Variant Classification Sherloc (09022015). Collection method: clinical testing. Allele origin: germline.

Illumina Laboratory Services, Illumina
Classification: Benign for Autosomal dominant distal renal tubular acidosis. Last evaluated: 2018-01-13. Review status: criteria provided, single submitter. Criteria: ICSL Variant Classification Criteria 13 December 2019. Collection method: clinical testing. Allele origin: germline.
Comment: This variant was observed in the ICSL laboratory as part of a predisposition screen in an ostensibly healthy population. It had not been previously curated by ICSL or reported in the Human Gene Mutation Database (HGMD: prior to June 1st, 2018), and was therefore a candidate for classification through an automated scoring system. Utilizing variant allele frequency, disease prevalence and penetrance estimates, and inheritance mode, an automated score was calculated to assess if this variant is too frequent to cause the disease. Based on the score and internal cut-off values, a variant classified as benign is not then subjected to further curation. The score for this variant resulted in a classification of benign for this disease.

Illumina Laboratory Services, Illumina
Classification: Uncertain significance for Hereditary spherocytosis type 4. Last evaluated: 2018-01-13. Review status: criteria provided, single submitter. Criteria: ICSL Variant Classification Criteria 13 December 2019. Collection method: clinical testing. Allele origin: germline.

Illumina Laboratory Services, Illumina
Classification: Uncertain significance for Hemolytic anemia. Last evaluated: 2018-01-13. Review status: criteria provided, single submitter. Criteria: ICSL Variant Classification Criteria 13 December 2019. Collection method: clinical testing. Allele origin: germline.

PreventionGenetics, part of Exact Sciences
Classification: Uncertain significance for SLC4A1-related condition. Last evaluated: 2023-10-21. Review status: no assertion criteria provided. Collection method: clinical testing. Allele origin: germline. Not counted in ClinVar's aggregate classification.
Comment: The SLC4A1 c.202G>A variant is predicted to result in the amino acid substitution p.Glu68Lys. To our knowledge, this variant has not been reported in the literature. This variant is reported in 0.044% of alleles in individuals of East Asian descent in gnomAD. At this time, the clinical significance of this variant is uncertain due to the absence of conclusive functional and genetic evidence.